The following is an entry in ClinVar:

ClinVar aggregate classification (germline): Likely benign. Review status: criteria provided, multiple submitters, no conflicts (2 of 4 stars). 2 submissions from 2 submitters: Likely benign (2). Last evaluated 2025-09-23.

Allele frequency attached by ClinVar (database versions not stated): TOPMed below 0.00001; gnomAD exomes 0.00001 and 0.00002; ExAC 0.00003; gnomAD 0.00003 and 0.00004.

Submissions (2):

Mayo Clinic Laboratories, Mayo Clinic
Classification: Likely benign. Last evaluated: 2025-09-23. Review status: criteria provided, single submitter. Criteria: ACMG Guidelines, 2015. Collection method: clinical testing. Allele origin: germline. Observed: 1 variant allele.
Comment: BP4, BP7

Labcorp Genetics (formerly Invitae), Labcorp
Classification: Likely benign. Last evaluated: 2023-11-30. Review status: criteria provided, single submitter. Criteria: Invitae Variant Classification Sherloc (09022015). Collection method: clinical testing. Allele origin: germline.

NM_201525.4(ADGRG1):c.978G>A (p.Thr326=)

Gene: ADGRG1 (adhesion G protein-coupled receptor G1; plus strand). Cytogenetic location: 16q21.
Variant type: single nucleotide variant.
Coding change: c.978G>A on transcript NM_201525.4 (MANE Select); coding-DNA position 978, G replaced by A.
Protein change: p.Thr326=; no amino-acid change (threonine 326 retained).
Molecular consequence: synonymous variant.
Genome position (GRCh38, 1-based): chr16:57,655,953, G>A. VCF-style: chr16-57655953-G-A. GRCh37 (hg19) VCF-style: chr16-57689865-G-A.
Other names: p.Thr326=; c.978G>A, p.Thr326= (NM_001145770.3, NM_001145771.3, NM_001145772.3 and 16 more transcripts); c.993G>A, p.Thr331= (NM_001145773.3, NM_001370433.1); c.468G>A, p.Thr156= (NM_001290142.2); c.453G>A, p.Thr151= (NM_001290143.2, NM_001290144.2, NM_001370451.1 and 2 more transcripts); c.822G>A, p.Thr274= (NM_001370442.1).
Identifiers: ClinVar variation 1144404 (VCV001144404.10), dbSNP rs757435278, ClinGen allele CA8078586.